The following is an entry in ClinVar:

ClinVar aggregate classification (germline): Uncertain significance (1 of 4 stars; one submission).

Allele frequency attached by ClinVar (database versions not stated): gnomAD 0.00001.
gnomAD v4.1: 3 of 1,612,668 alleles (0.00019%); highest among the groups gnomAD compares: Non-Finnish European, 0.00017%; no homozygotes.

Submission:

Centre of Medical Genetics, University Hospital Muenster
Classification: Uncertain significance. Last evaluated: 2021-12-21. Review status: criteria provided, single submitter. Criteria: ACMG Guidelines, 2015. Collection method: clinical testing. Allele origin: unknown. Affected: yes. Observed: 1 variant allele, 1 homozygote.
Comment: ACMG categories: PM2,PP3,PP4

NM_032730.5(RTN4IP1):c.1007T>A (p.Val336Asp)

Gene: RTN4IP1 (reticulon 4 interacting protein 1; minus strand). Cytogenetic location: 6q21.
Variant type: single nucleotide variant.
Coding change: c.1007T>A on transcript NM_032730.5 (MANE Select); coding-DNA position 1007, T replaced by A.
Protein change: p.Val336Asp; replaces valine 336 with aspartic acid.
Molecular consequence: missense variant.
Genome position (GRCh38, 1-based): chr6:106,583,404, A>T on the plus strand (T>A on the coding strand, the complement: RTN4IP1 is on the minus strand). VCF-style: chr6-106583404-A-T. GRCh37 (hg19) VCF-style: chr6-107031279-A-T.
Other names: c.707T>A, p.Val236Asp (NM_001318746.1); short protein forms V236D, V336D.
Identifiers: ClinVar variation 1708372 (VCV001708372.3), dbSNP rs756992664, ClinGen allele CA365150727.